The following is an entry in ClinVar:

NM_001135022.2(ELMOD3):c.58G>A (p.Glu20Lys)

Gene: ELMOD3 (ELMO domain containing 3; plus strand). Cytogenetic location: 2p11.2.
Variant type: single nucleotide variant.
Coding change: c.58G>A on transcript NM_001135022.2 (MANE Select); coding-DNA position 58, G replaced by A.
Protein change: p.Glu20Lys; replaces glutamic acid 20 with lysine.
Molecular consequence: missense variant. On other transcripts: non-coding transcript variant (3).
Genome position (GRCh38, 1-based): chr2:85,362,189, G>A. VCF-style: chr2-85362189-G-A. GRCh37 (hg19) VCF-style: chr2-85589312-G-A.
Other names: c.58G>A, p.Glu20Lys (NM_001135021.2, NM_001135023.2, NM_001329791.2 and 3 more transcripts); short protein forms E20K.
Identifiers: ClinVar variation 1978587 (VCV001978587.4), dbSNP rs1191749989, ClinGen allele CA347478352.

ClinVar aggregate classification (germline): Uncertain significance (1 of 4 stars; one submission).

Allele frequency attached by ClinVar (database versions not stated): gnomAD exomes below 0.00001; TOPMed 0.00001.

Submission:

Labcorp Genetics (formerly Invitae), Labcorp
Classification: Uncertain significance. Last evaluated: 2023-08-10. Review status: criteria provided, single submitter. Criteria: Invitae Variant Classification Sherloc (09022015). Collection method: clinical testing. Allele origin: germline.
Comment: In summary, the available evidence is currently insufficient to determine the role of this variant in disease. Therefore, it has been classified as a Variant of Uncertain Significance. Algorithms developed to predict the effect of missense changes on protein structure and function output the following: SIFT: "Not Available"; PolyPhen-2: "Benign"; Align-GVGD: "Not Available". The lysine amino acid residue is found in multiple mammalian species, which suggests that this missense change does not adversely affect protein function. ClinVar contains an entry for this variant (Variation ID: 1978587). This variant has not been reported in the literature in individuals affected with ELMOD3-related conditions. This variant is not present in population databases (gnomAD no frequency). This sequence change replaces glutamic acid, which is acidic and polar, with lysine, which is basic and polar, at codon 20 of the ELMOD3 protein (p.Glu20Lys).